The following is an entry in ClinVar:

NM_002230.4(JUP):c.1479C>G (p.Asn493Lys)

Gene: JUP (junction plakoglobin; minus strand). Cytogenetic location: 17q21.2.
Variant type: single nucleotide variant.
Coding change: c.1479C>G on transcript NM_002230.4 (MANE Select); coding-DNA position 1479, C replaced by G.
Protein change: p.Asn493Lys; replaces asparagine 493 with lysine.
Molecular consequence: missense variant.
Genome position (GRCh38, 1-based): chr17:41,763,001, G>C on the plus strand (C>G on the coding strand, the complement: JUP is on the minus strand). VCF-style: chr17-41763001-G-C. GRCh37 (hg19) VCF-style: chr17-39919253-G-C.
Other names: c.1479C>G, p.Asn493Lys (NM_001352773.2, NM_001352774.2, NM_001352775.2 and 3 more transcripts); short protein forms N493K.
Identifiers: ClinVar variation 3754571 (VCV003754571.2).

ClinVar aggregate classification (germline): Uncertain significance (1 of 4 stars; one submission).

Conditions:
Naxos disease (NXD). Also called: KERATOSIS PALMOPLANTARIS WITH ARRHYTHMOGENIC CARDIOMYOPATHY; MAL DE NAXOS; PALMOPLANTAR KERATODERMA WITH ARRHYTHMOGENIC RIGHT VENTRICULAR CARDIOMYOPATHY AND WOOLLY HAIR; WOOLLY HAIR, PALMOPLANTAR KERATODERMA, AND CARDIAC ABNORMALITIES; CARDIOMYOPATHY, ARRHYTHMOGENIC RIGHT VENTRICULAR, WITH SKIN, HAIR, AND NAIL ABNORMALITIES. Identifiers: Orphanet 34217, MedGen C1832600, MONDO:0011017, OMIM 601214.
Arrhythmogenic right ventricular dysplasia 12. Also called: ARRHYTHMOGENIC RIGHT VENTRICULAR DYSPLASIA, FAMILIAL, 12. Identifiers: MedGen C1969081, MONDO:0012684, OMIM 611528.

Submission:

Labcorp Genetics (formerly Invitae), Labcorp
Classification: Uncertain significance for Arrhythmogenic right ventricular dysplasia 12; Naxos disease. Last evaluated: 2024-02-11. Review status: criteria provided, single submitter. Criteria: Invitae Variant Classification Sherloc (09022015). Collection method: clinical testing. Allele origin: germline.
Comment: This sequence change replaces asparagine, which is neutral and polar, with lysine, which is basic and polar, at codon 493 of the JUP protein (p.Asn493Lys). This variant is not present in population databases (gnomAD no frequency). This variant has not been reported in the literature in individuals affected with JUP-related conditions. An algorithm developed to predict the effect of missense changes on protein structure and function (PolyPhen-2) suggests that this variant is likely to be tolerated. In summary, the available evidence is currently insufficient to determine the role of this variant in disease. Therefore, it has been classified as a Variant of Uncertain Significance.